The following is an entry in ClinVar:

NM_005219.5(DIAPH1):c.3764A>G (p.Glu1255Gly)

Gene: DIAPH1 (diaphanous related formin 1; minus strand). Cytogenetic location: 5q31.3.
Variant type: single nucleotide variant.
Coding change: c.3764A>G on transcript NM_005219.5 (MANE Select); coding-DNA position 3764, A replaced by G.
Protein change: p.Glu1255Gly; replaces glutamic acid 1255 with glycine.
Molecular consequence: missense variant. On other transcripts: 3 prime UTR variant (1).
Genome position (GRCh38, 1-based): chr5:141,516,906, T>C on the plus strand (A>G on the coding strand, the complement: DIAPH1 is on the minus strand). VCF-style: chr5-141516906-T-C. GRCh37 (hg19) VCF-style: chr5-140896473-T-C.
Other names: c.3737A>G, p.Glu1246Gly (NM_001079812.3); c.*64A>G (NM_001314007.2); short protein forms E1246G, E1255G.
Identifiers: ClinVar variation 966429 (VCV000966429.10), dbSNP rs2099885774, ClinGen allele CA361572010.

ClinVar aggregate classification (germline): Uncertain significance (1 of 4 stars; one submission).

Conditions:
Progressive microcephaly-seizures-cortical blindness-developmental delay syndrome. Also called: Seizures, cortical blindness, and microcephaly syndrome. Identifiers: Orphanet 477814, MedGen C5567650, MONDO:0014714, OMIM 616632.
Autosomal dominant nonsyndromic hearing loss 1. Also called: KONIGSMARK SYNDROME; DEAFNESS, AUTOSOMAL DOMINANT 1, WITH OR WITHOUT THROMBOCYTOPENIA. Identifiers: Orphanet 90635, MedGen C1852282, MONDO:0007424, OMIM 124900.

Allele frequency attached by ClinVar (database versions not stated): TOPMed below 0.00001.

Submission:

Labcorp Genetics (formerly Invitae), Labcorp
Classification: Uncertain significance for Progressive microcephaly-seizures-cortical blindness-developmental delay syndrome; Autosomal dominant nonsyndromic hearing loss 1. Last evaluated: 2019-10-15. Review status: criteria provided, single submitter. Criteria: Invitae Variant Classification Sherloc (09022015). Collection method: clinical testing. Allele origin: germline.
Comment: This sequence change replaces glutamic acid with glycine at codon 1255 of the DIAPH1 protein (p.Glu1255Gly). The glutamic acid residue is highly conserved and there is a moderate physicochemical difference between glutamic acid and glycine. This variant is not present in population databases (ExAC no frequency). This variant has not been reported in the literature in individuals with DIAPH1-related conditions. Algorithms developed to predict the effect of missense changes on protein structure and function are either unavailable or do not agree on the potential impact of this missense change (SIFT: "Deleterious"; PolyPhen-2: "Possibly Damaging"; Align-GVGD: "Class C0"). In summary, the available evidence is currently insufficient to determine the role of this variant in disease. Therefore, it has been classified as a Variant of Uncertain Significance.